The following is an entry in ClinVar:

ClinVar aggregate classification (germline): Benign (1 of 4 stars; one submission).

Conditions:
Brachydactyly type A1. Also called: FARABEE-TYPE BRACHYDACTYLY; SHORT STATURE WITH NONSPECIFIC SKELETAL ABNORMALITIES 2. Identifiers: Orphanet 93388, MedGen C1862151, MONDO:0007215, OMIM 112500, HP:0009371.

Allele frequency attached by ClinVar (database versions not stated): gnomAD exomes 0.00003; TOPMed 0.00002; ExAC 0.00003.
gnomAD v4.1: 43 of 1,612,460 alleles (0.0027%); highest among the groups gnomAD compares: East Asian, 0.085%; no homozygotes.

Submission:

Illumina Laboratory Services, Illumina
Classification: Benign for Brachydactyly type A1. Last evaluated: 2018-01-13. Review status: criteria provided, single submitter. Criteria: ICSL Variant Classification Criteria 13 December 2019. Collection method: clinical testing. Allele origin: germline.
Comment: This variant was observed in the ICSL laboratory as part of a predisposition screen in an ostensibly healthy population. It had not been previously curated by ICSL or reported in the Human Gene Mutation Database (HGMD: prior to June 1st, 2018), and was therefore a candidate for classification through an automated scoring system. Utilizing variant allele frequency, disease prevalence and penetrance estimates, and inheritance mode, an automated score was calculated to assess if this variant is too frequent to cause the disease. Based on the score and internal cut-off values, a variant classified as benign is not then subjected to further curation. The score for this variant resulted in a classification of benign for this disease.

NM_002181.4(IHH):c.909C>T (p.Tyr303=)

Gene: IHH (Indian hedgehog signaling molecule; minus strand). Cytogenetic location: 2q35.
Variant type: single nucleotide variant.
Coding change: c.909C>T on transcript NM_002181.4 (MANE Select); coding-DNA position 909, C replaced by T.
Protein change: p.Tyr303=; no amino-acid change (tyrosine 303 retained).
Molecular consequence: synonymous variant.
Genome position (GRCh38, 1-based): chr2:219,055,534, G>A on the plus strand (C>T on the coding strand, the complement: IHH is on the minus strand). VCF-style: chr2-219055534-G-A. GRCh37 (hg19) VCF-style: chr2-219920256-G-A.
Identifiers: ClinVar variation 899310 (VCV000899310.4), dbSNP rs758078057, ClinGen allele CA2116574.
Genomic context (GRCh38, chr2:219,055,534, plus strand): 5'-GTGTGTAGAGACAGCTGCCACGCGGGCAGGCTGCAGGCCTGGCACCCCAGCCACCAGCAC[G>A]TACTGGCCAGGCTGCACGTGGCTGGCAAATGTGGCCCGGAAGCGGGCTGCCGGCTCCGTG-3'
Protein context (NP_002172.2, residues 293-313): TFASHVQPGQ[Tyr303=]VLVAGVPGLQ